The following is an entry in ClinVar:

ClinVar aggregate classification (germline): Uncertain significance (1 of 4 stars; one submission).

Conditions:
Hereditary cancer-predisposing syndrome. Also called: Neoplastic Syndromes, Hereditary; Tumor predisposition; Hereditary Cancer Syndrome; Hereditary neoplastic syndrome. Identifiers: Orphanet 140162, MedGen C0027672, MeSH D009386, MONDO:0015356.

Submission:

Ambry Genetics
Classification: Uncertain significance for Hereditary cancer-predisposing syndrome. Last evaluated: 2020-06-30. Review status: criteria provided, single submitter. Criteria: Ambry Variant Classification Scheme 2023. Collection method: clinical testing. Allele origin: germline.
Comment: The p.I1228M variant (also known as c.3684T>G), located in coding exon 24 of the RAD50 gene, results from a T to G substitution at nucleotide position 3684. The isoleucine at codon 1228 is replaced by methionine, an amino acid with highly similar properties. This amino acid position is poorly conserved in available vertebrate species. In addition, this alteration is predicted to be tolerated by in silico analysis. Since supporting evidence is limited at this time, the clinical significance of this alteration remains unclear.

NM_005732.4(RAD50):c.3684T>G (p.Ile1228Met)

Genes: RAD50 (RAD50 double strand break repair protein; plus strand), TH2-LCR (Th2 cytokine locus control region; plus strand), TH2LCRR (T helper type 2 locus control region associated RNA; minus strand). Cytogenetic location: 5q31.1.
Variant type: single nucleotide variant.
Coding change: c.3684T>G on transcript NM_005732.4 (MANE Select); coding-DNA position 3684, T replaced by G.
Protein change: p.Ile1228Met; replaces isoleucine 1228 with methionine.
Molecular consequence: missense variant.
Genome position (GRCh38, 1-based): chr5:132,640,737, T>G. VCF-style: chr5-132640737-T-G. GRCh37 (hg19) VCF-style: chr5-131976429-T-G.
Other names: short protein forms I1228M.
Identifiers: ClinVar variation 1733914 (VCV001733914.2), dbSNP rs104895053, ClinGen allele CA360934280.